The following is an entry in ClinVar:

ClinVar aggregate classification (germline): Likely benign. Review status: criteria provided, multiple submitters, no conflicts (2 of 4 stars). 2 submissions from 2 submitters: Likely benign (2). Last evaluated 2024-08-13.

Conditions:
Lynch syndrome. Identifiers: Orphanet 144, MedGen C4552100, MONDO:0005835. Disease mechanism: loss of function.
Hereditary cancer-predisposing syndrome. Also called: Neoplastic Syndromes, Hereditary; Tumor predisposition; Hereditary Cancer Syndrome; Hereditary neoplastic syndrome. Identifiers: Orphanet 140162, MedGen C0027672, MeSH D009386, MONDO:0015356.

Allele frequency attached by ClinVar (database versions not stated): TOPMed 0.00001; ESP Exome Variant Server 0.00008.
gnomAD v4.1: 25 of 1,612,280 alleles (0.0016%); highest among the groups gnomAD compares: Non-Finnish European, 0.002%; no homozygotes.

Submissions (2):

All of Us Research Program, National Institutes of Health
Classification: Likely benign for Lynch syndrome. Last evaluated: 2024-08-13. Review status: criteria provided, single submitter. Criteria: ACMG Guidelines, 2015. Collection method: clinical testing. Allele origin: germline. Inheritance: Autosomal dominant inheritance. Observed: 2 variant alleles, 2 heterozygotes.
Comment: This study involves interpretation of variants in research participants for the purpose of population health screening. Participant phenotype was not available at the time of variant classification. Additional details can be found in publication PMID: 35346344, PMCID: PMC8962531

Color Diagnostics, LLC DBA Color Health
Classification: Likely benign for Hereditary cancer-predisposing syndrome. Last evaluated: 2019-11-19. Review status: criteria provided, single submitter. Criteria: ACMG Guidelines, 2015. Collection method: clinical testing. Allele origin: germline.

NM_000535.7(PMS2):c.23+29C>T

Gene: PMS2 (PMS1 homolog 2, mismatch repair system component; minus strand). Cytogenetic location: 7p22.1.
Variant type: single nucleotide variant.
Coding change: c.23+29C>T on transcript NM_000535.7 (MANE Select); 29 bases into the intron after coding-DNA position 23, C replaced by T.
Molecular consequence: intron variant. On other transcripts: 5 prime UTR variant (2).
Genome position (GRCh38, 1-based): chr7:6,008,968, G>A on the plus strand (C>T on the coding strand, the complement: PMS2 is on the minus strand). VCF-style: chr7-6008968-G-A. GRCh37 (hg19) VCF-style: chr7-6048599-G-A.
Other names: c.-544C>T (NM_001322005.2); c.-539C>T (NM_001322009.2); c.-53+29C>T (NM_001322008.2); c.-243+29C>T (NM_001322010.2, NM_001322004.2); c.-378+29C>T (NM_001322013.2, NM_001322003.2); c.-857+29C>T (NM_001322012.2); c.-457+29C>T (NM_001322015.2); c.-193+29C>T (NM_001322007.2); and 2 more.
Identifiers: ClinVar variation 919106 (VCV000919106.4), dbSNP rs372733983, ClinGen allele CA153252304.
Genomic context (GRCh38, chr7:6,008,968, plus strand): 5'-TTCCCCCCATTTCCAGGGAGGTTGGAATGCCGTGGGTCTCAAAGAGGGCGCGCGAGAGGG[G>A]ACACCGGAAGACTGCGAGCCCCGCTCACCTCGAGCTCTCAGCTCGCTCCATGGATGCAAC-3'